The following is an entry in ClinVar:

NM_014714.4(IFT140):c.3684C>T (p.Ser1228=)

Gene: IFT140 (intraflagellar transport 140; minus strand). Cytogenetic location: 16p13.3.
Variant type: single nucleotide variant.
Coding change: c.3684C>T on transcript NM_014714.4 (MANE Select); coding-DNA position 3684, C replaced by T.
Protein change: p.Ser1228=; no amino-acid change (serine 1228 retained).
Molecular consequence: synonymous variant.
Genome position (GRCh38, 1-based): chr16:1,520,320, G>A on the plus strand (C>T on the coding strand, the complement: IFT140 is on the minus strand). VCF-style: chr16-1520320-G-A. GRCh37 (hg19) VCF-style: chr16-1570321-G-A.
Identifiers: ClinVar variation 318001 (VCV000318001.19), dbSNP rs146464282, ClinGen allele CA7813061.
Genomic context (GRCh38, chr16:1,520,320, plus strand): 5'-GATGTAGATTTCCTTCTGCCTGGACACGCTCGCGAAGAACGTGATTTTCTCCGTGTCTCC[G>A]GATTTGAGCAGCGCCCTCATGGCCTAGGCAGAGAGACAGCGGGGCTCAGGCAAGCAGGGG-3'
Protein context (NP_055529.2, residues 1218-1238): KLKAMRALLK[Ser1228=]GDTEKITFFA

ClinVar aggregate classification (germline): Conflicting classifications of pathogenicity. Review status: criteria provided, conflicting classifications (1 of 4 stars). 5 submissions from 5 submitters: Uncertain significance (1); Likely benign (3). 1 of the submissions does not count toward it. Last evaluated 2026-06-01.

Conditions:
Saldino-Mainzer syndrome (SRTD9). Also called: CONORENAL SYNDROME; SHORT-RIB THORACIC DYSPLASIA 9 WITHOUT POLYDACTYLY; short-rib thoracic dysplasia 9 with or without polydactyly; Renal dysplasia, retinal pigmentary dystrophy, cerebellar ataxia and skeletal dysplasia. Identifiers: Orphanet 140969, MedGen C1849437, MONDO:0009964, OMIM 266920.
IFT140-related disorder. Also called: IFT140-related condition.

Allele frequency attached by ClinVar (database versions not stated): gnomAD exomes 0.00016; ExAC 0.00020; ESP Exome Variant Server 0.00023; TOPMed 0.00036; gnomAD 0.00040 and 0.00043; 1000 Genomes Project 30x 0.00078; 1000 Genomes Project 0.00080.
gnomAD v4.1: 295 of 1,614,166 alleles (0.018%); highest among the groups gnomAD compares: African/African-American, 0.11%; 1 homozygote.

Submissions (5):

CeGaT Center for Human Genetics Tuebingen
Classification: Likely benign. Last evaluated: 2026-06-01. Review status: criteria provided, single submitter. Criteria: CeGaT Center For Human Genetics Tuebingen Variant Classification Criteria Version 2. Collection method: clinical testing. Allele origin: germline. Affected: yes. Observed: 1 variant allele.
Comment: IFT140: BP4, BP7

Labcorp Genetics (formerly Invitae), Labcorp
Classification: Likely benign for Saldino-Mainzer syndrome. Last evaluated: 2026-01-27. Review status: criteria provided, single submitter. Criteria: Invitae Variant Classification Sherloc (09022015). Collection method: clinical testing. Allele origin: germline.

Blueprint Genetics
Classification: Likely benign. Last evaluated: 2024-11-27. Review status: criteria provided, single submitter. Criteria: ACMG Guidelines, 2015. Collection method: clinical testing. Allele origin: germline.

Illumina Laboratory Services, Illumina
Classification: Uncertain significance for Saldino-Mainzer syndrome. Last evaluated: 2018-01-12. Review status: criteria provided, single submitter. Criteria: ICSL Variant Classification Criteria 13 December 2019. Collection method: clinical testing. Allele origin: germline.

PreventionGenetics, part of Exact Sciences
Classification: Likely benign for IFT140-related condition. Last evaluated: 2021-10-06. Review status: no assertion criteria provided. Collection method: clinical testing. Allele origin: germline. Not counted in ClinVar's aggregate classification.
Comment: This variant is classified as likely benign based on ACMG/AMP sequence variant interpretation guidelines (Richards et al. 2015 PMID: 25741868, with internal and published modifications).